The following is an entry in ClinVar:

ClinVar aggregate classification (germline): Uncertain significance (1 of 4 stars; one submission).

Submission:

GeneDx
Classification: Uncertain significance. Last evaluated: 2023-08-01. Review status: criteria provided, single submitter. Criteria: GeneDx Variant Classification Process June 2021. Collection method: clinical testing. Allele origin: germline. Affected: yes.
Comment: Not observed at significant frequency in large population cohorts (gnomAD); In silico analysis supports that this missense variant has a deleterious effect on protein structure/function; Has not been previously published as pathogenic or benign to our knowledge

NM_021008.4(DEAF1):c.752A>G (p.Asp251Gly)

Gene: DEAF1 (DEAF1 transcription factor; minus strand). Cytogenetic location: 11p15.5.
Variant type: single nucleotide variant.
Coding change: c.752A>G on transcript NM_021008.4 (MANE Select); coding-DNA position 752, A replaced by G.
Protein change: p.Asp251Gly; replaces aspartic acid 251 with glycine.
Molecular consequence: missense variant. On other transcripts: intron variant (1).
Genome position (GRCh38, 1-based): chr11:686,910, T>C on the plus strand (A>G on the coding strand, the complement: DEAF1 is on the minus strand). VCF-style: chr11-686910-T-C. GRCh37 (hg19) VCF-style: chr11-686910-T-C.
Other names: c.26A>G, p.Asp9Gly (NM_001367390.1, NM_001440885.1, NM_001440886.1 and 1 more transcripts); c.752A>G, p.Asp251Gly (NM_001440883.1, NM_001440884.1); c.664+1001A>G (NM_001293634.2); short protein forms D251G, D9G.
Identifiers: ClinVar variation 3361764 (VCV003361764.1).